The following is an entry in ClinVar:

NM_000303.3(PMM2):c.55del (p.Ala19fs)

Gene: PMM2 (phosphomannomutase 2; plus strand). Cytogenetic location: 16p13.2.
Variant type: Deletion.
Coding change: c.55del on transcript NM_000303.3 (MANE Select); coding-DNA position 55, one base deleted (G; older notation c.55delG).
Protein change: p.Ala19fs; shifts the reading frame from alanine 19.
Molecular consequence: frameshift variant.
Genome position (GRCh38, 1-based): chr16:8,797,937, G deleted. VCF-style (leftmost placement, unchanged base first): chr16-8797936-CG-C. GRCh37 (hg19) VCF-style: chr16-8891793-CG-C.
Other names: short protein forms A19fs.
Identifiers: ClinVar variation 659079 (VCV000659079.7), dbSNP rs1596481889, ClinGen allele CA915949114.

ClinVar aggregate classification (germline): Pathogenic/Likely pathogenic. Review status: criteria provided, multiple submitters, no conflicts (2 of 4 stars). 2 submissions from 2 submitters: Pathogenic (1); Likely pathogenic (1). Last evaluated 2022-02-18.

Conditions:
PMM2-congenital disorder of glycosylation. Also called: CARBOHYDRATE-DEFICIENT GLYCOPROTEIN SYNDROME, TYPE Ia; PHOSPHOMANNOMUTASE 2 DEFICIENCY; CDG Ia; JAEKEN SYNDROME; Congenital disorder of glycosylation, type Ia; PMM2-CDG. Identifiers: Orphanet 79318, MedGen C0349653, MONDO:0008907, OMIM 212065.

Submissions (2):

Baylor Genetics
Classification: Likely pathogenic for PMM2-congenital disorder of glycosylation. Last evaluated: 2022-02-18. Review status: criteria provided, single submitter. Criteria: ACMG Guidelines, 2015. Collection method: clinical testing. Allele origin: unknown.

Labcorp Genetics (formerly Invitae), Labcorp
Classification: Pathogenic for PMM2-congenital disorder of glycosylation. Last evaluated: 2018-07-20. Review status: criteria provided, single submitter. Criteria: Invitae Variant Classification Sherloc (09022015). Collection method: clinical testing. Allele origin: germline.
Comment: For these reasons, this variant has been classified as Pathogenic. Loss-of-function variants in PMM2 are known to be pathogenic (PMID: 19862844). This variant has not been reported in the literature in individuals with PMM2-related disease. This variant is not present in population databases (ExAC no frequency). This sequence change creates a premature translational stop signal (p.Ala19Profs*17) in the PMM2 gene. It is expected to result in an absent or disrupted protein product.

Literature cited by the submitters: PubMed 19862844 (cited by Labcorp Genetics (formerly Invitae), Labcorp).